The following is an entry in ClinVar:

NM_001197104.2(KMT2A):c.5961A>G (p.Glu1987=)

Gene: KMT2A (lysine methyltransferase 2A; plus strand). Cytogenetic location: 11q23.3.
Variant type: single nucleotide variant.
Coding change: c.5961A>G on transcript NM_001197104.2 (MANE Select); coding-DNA position 5961, A replaced by G.
Protein change: p.Glu1987=; no amino-acid change (glutamic acid 1987 retained).
Molecular consequence: synonymous variant.
Genome position (GRCh38, 1-based): chr11:118,498,528, A>G. VCF-style: chr11-118498528-A-G. GRCh37 (hg19) VCF-style: chr11-118369243-A-G.
Other names: c.5952A>G, p.Glu1984= (NM_005933.4).
Identifiers: ClinVar variation 1491127 (VCV001491127.8), dbSNP rs2134368437, ClinGen allele CA477092222.
Genomic context (GRCh38, chr11:118,498,528, plus strand): 5'-TGTCTTTCTGGATGATAAAAAAGTATATTGCCAACGACATCGGGATTTGATCAAAGGCGA[A>G]GTGAGAGAGCTTTAGTTGCTTTAAAAAAAAAAAAAAAGACTTTTTTAGAGCAGTTTTAGG-3'
Protein context (NP_001184033.1, residues 1977-1997): CQRHRDLIKG[Glu1987=]VVPENGFEVF

ClinVar aggregate classification (germline): Uncertain significance (1 of 4 stars; one submission).

Allele frequency attached by ClinVar (database versions not stated): gnomAD exomes below 0.00001; gnomAD 0.00001.
gnomAD v4.1: 4 of 1,600,316 alleles (0.00025%); highest among the groups gnomAD compares: Middle Eastern, 0.017%; no homozygotes.

Submission:

Labcorp Genetics (formerly Invitae), Labcorp
Classification: Uncertain significance. Last evaluated: 2025-10-02. Review status: criteria provided, single submitter. Criteria: Invitae Variant Classification Sherloc (09022015). Collection method: clinical testing. Allele origin: germline.
Comment: This sequence change affects codon 1987 of the KMT2A mRNA. It is a 'silent' change, meaning that it does not change the encoded amino acid sequence of the KMT2A protein. It affects a nucleotide within the consensus splice site. This variant is not present in population databases (gnomAD no frequency). This variant has not been reported in the literature in individuals affected with KMT2A-related conditions. ClinVar contains an entry for this variant (Variation ID: 1491127). Algorithms developed to predict the effect of sequence changes on RNA splicing suggest that this variant is not likely to affect RNA splicing. In summary, the available evidence is currently insufficient to determine the role of this variant in disease. Therefore, it has been classified as a Variant of Uncertain Significance.